The following is an entry in ClinVar:

ClinVar aggregate classification (germline): Uncertain significance (1 of 4 stars; one submission).

Allele frequency attached by ClinVar (database versions not stated): TOPMed below 0.00001; gnomAD exomes 0.00001.

Submission:

Labcorp Genetics (formerly Invitae), Labcorp
Classification: Uncertain significance. Last evaluated: 2021-08-30. Review status: criteria provided, single submitter. Criteria: Invitae Variant Classification Sherloc (09022015). Collection method: clinical testing. Allele origin: germline.
Comment: This variant, c.3283_3285del, results in the deletion of 1 amino acid(s) of the AEBP1 protein (p.Thr1095del), but otherwise preserves the integrity of the reading frame. This variant is not present in population databases (ExAC no frequency). This variant has not been reported in the literature in individuals affected with AEBP1-related conditions. Experimental studies and prediction algorithms are not available or were not evaluated, and the functional significance of this variant is currently unknown. In summary, the available evidence is currently insufficient to determine the role of this variant in disease. Therefore, it has been classified as a Variant of Uncertain Significance.

NM_001129.5(AEBP1):c.3283_3285del (p.Thr1095del)

Gene: AEBP1 (AE binding protein 1; plus strand). Cytogenetic location: 7p13.
Variant type: Deletion.
Coding change: c.3283_3285del on transcript NM_001129.5 (MANE Select); coding-DNA positions 3283 to 3285, 3 bases deleted (ACC; older notation c.3283_3285delACC).
Protein change: p.Thr1095del; deletes threonine 1095.
Molecular consequence: inframe deletion.
Genome position (GRCh38, 1-based): chr7:44,114,067-44,114,069, ACC deleted. VCF-style (leftmost placement, unchanged base first): chr7-44114066-GACC-G. GRCh37 (hg19) VCF-style: chr7-44153665-GACC-G.
Other names: short protein forms T1095del.
Identifiers: ClinVar variation 1924897 (VCV001924897.2), dbSNP rs1355842846, ClinGen allele CA838769791.